The following is an entry in ClinVar:

NM_001382567.1(STIM1):c.1634+100C>T

Gene: STIM1 (stromal interaction molecule 1; plus strand). Cytogenetic location: 11p15.4.
Variant type: single nucleotide variant.
Coding change: c.1634+100C>T on transcript NM_001382567.1 (MANE Select); 100 bases into the intron after coding-DNA position 1634, C replaced by T.
Molecular consequence: intron variant. On other transcripts: synonymous variant (2).
Genome position (GRCh38, 1-based): chr11:4,086,643, C>T. VCF-style: chr11-4086643-C-T. GRCh37 (hg19) VCF-style: chr11-4107873-C-T.
Other names: c.1641C>T, p.Tyr547= (NM_001277961.3); c.1419C>T, p.Tyr473= (NM_001382566.1); c.1319+100C>T (NM_001382578.1, NM_001382575.1, NM_001382576.1 and 2 more transcripts); c.1052+100C>T (NM_001382580.1, NM_001382581.1); c.1562+100C>T (NM_001382568.1); c.1541+100C>T (NM_001277962.2, NM_003156.4); c.1313+100C>T (NM_001382570.1); c.1406+100C>T (NM_001382569.1); and 1 more.
Identifiers: ClinVar variation 3052444 (VCV003052444.2), dbSNP rs759035796, ClinGen allele CA5830548.

ClinVar aggregate classification (germline): Likely benign (0 of 4 stars; one submission).

Conditions:
STIM1-related disorder. Also called: STIM1-related condition.

Allele frequency attached by ClinVar (database versions not stated): gnomAD exomes 0.00003; gnomAD 0.00004; TOPMed 0.00006; ExAC 0.00013.
gnomAD v4.1: 44 of 1,565,066 alleles (0.0028%); highest among the groups gnomAD compares: South Asian, 0.023%; no homozygotes.

Submission:

PreventionGenetics, part of Exact Sciences
Classification: Likely benign for STIM1-related condition. Last evaluated: 2019-08-19. Review status: no assertion criteria provided. Collection method: clinical testing. Allele origin: germline.
Comment: This variant is classified as likely benign based on ACMG/AMP sequence variant interpretation guidelines (Richards et al. 2015 PMID: 25741868, with internal and published modifications).